The following is an entry in ClinVar:

ClinVar aggregate classification (germline): Conflicting classifications of pathogenicity. Review status: criteria provided, conflicting classifications (1 of 4 stars). 5 submissions from 5 submitters: Uncertain significance (1); Likely benign (4). Last evaluated 2025-12-24.

Conditions:
Glycogen storage disease, type II (IOPD). Also called: CARDIOMEGALIA GLYCOGENICA DIFFUSA; GLYCOGENOSIS, GENERALIZED, CARDIAC FORM; GSD II; Glucosidase acid-1,4-alpha deficiency; Pompe Disease; Glycogen storage disease type 2. Identifiers: Orphanet 365, MedGen C0017921, MONDO:0009290, OMIM 232300.

Allele frequency attached by ClinVar (database versions not stated): gnomAD 0.00003; TOPMed 0.00012; ExAC 0.00020.
gnomAD v4.1: 83 of 1,584,692 alleles (0.0052%); highest among the groups gnomAD compares: African/African-American, 0.0013%; no homozygotes.

Submissions (5):

Labcorp Genetics (formerly Invitae), Labcorp
Classification: Likely benign for Glycogen storage disease, type II. Last evaluated: 2025-12-24. Review status: criteria provided, single submitter. Criteria: Invitae Variant Classification Sherloc (09022015). Collection method: clinical testing. Allele origin: germline.

Blueprint Genetics
Classification: Likely benign. Last evaluated: 2023-11-20. Review status: criteria provided, single submitter. Criteria: ACMG Guidelines, 2015. Collection method: clinical testing. Allele origin: germline.

Broad Center for Mendelian Genomics, Broad Institute of MIT and Harvard
Classification: Likely benign for Glycogen storage disease, type II. Last evaluated: 2020-01-22. Review status: criteria provided, single submitter. Criteria: ACMG Guidelines, 2015. Collection method: curation. Allele origin: germline. Inheritance: Autosomal recessive inheritance.
Comment: The c.955+14C>A variant in GAA has not been previously reported in individuals with Glycogen Storage Disease II but has been identified in 0.254% (24/9456) of Ashkenazi Jewish chromosomes and 0.005% (1/19214) of African chromosomes by the Genome Aggregation Database (gnomAD; dbSNP rs756921041). Although this variant has been seen in the general population, its frequency is not high enough to rule out a pathogenic role. This variant has also been reported as a VUS by Illumina and a likely benign variant by GeneDx in ClinVar (Variation ID: 325784). This variant is located in the 5' splice region. Computational splice prediction tools and conservation analyses suggest that this variant may not impact the protein, though this information is not predictive enough to rule out pathogenicity. However, novel synonymous variants supported by computational evidence without raised suspicion for an impact are likely benign (Richards 2015). In summary, although additional studies are required to fully establish its clinical significance, this variant is likely benign. ACMG/AMP Criteria applied: BP4, BP7 (Richards 2015).

Illumina Laboratory Services, Illumina
Classification: Uncertain significance for Glycogen storage disease, type II. Last evaluated: 2018-01-12. Review status: criteria provided, single submitter. Criteria: ICSL Variant Classification Criteria 13 December 2019. Collection method: clinical testing. Allele origin: germline.

GeneDx
Classification: Likely benign. Last evaluated: 2017-07-10. Review status: criteria provided, single submitter. Criteria: GeneDx Variant Classification (06012015). Collection method: clinical testing. Allele origin: germline. Affected: yes.
Comment: This variant is considered likely benign or benign based on one or more of the following criteria: it is a conservative change, it occurs at a poorly conserved position in the protein, it is predicted to be benign by multiple in silico algorithms, and/or has population frequency not consistent with disease.

NM_000152.5(GAA):c.955+14C>A

Gene: GAA (alpha glucosidase; plus strand). Cytogenetic location: 17q25.3.
Variant type: single nucleotide variant.
Coding change: c.955+14C>A on transcript NM_000152.5 (MANE Select); 14 bases into the intron after coding-DNA position 955, C replaced by A.
Molecular consequence: intron variant.
Genome position (GRCh38, 1-based): chr17:80,107,910, C>A. VCF-style: chr17-80107910-C-A. GRCh37 (hg19) VCF-style: chr17-78081709-C-A.
Other names: c.955+14C>A (LRG_673t1, NM_001079803.3, NM_001079804.3).
Identifiers: ClinVar variation 325784 (VCV000325784.16), dbSNP rs756921041, ClinGen allele CA8815099.
Genomic context (GRCh38, chr17:80,107,910, plus strand): 5'-CGGCGGGTCGGCACACGGGGTGTTCCTGCTAAACAGCAATGCCATGGGTAAGCTGCCCGC[C>A]GCCCAGCGCCCGGGCCGGGGTCTCCTCCGTGCTGCCTGCCCTGGAGACTGGAGGTCCGCA-3'